The following is an entry in ClinVar:

ClinVar aggregate classification (germline): Uncertain significance. Review status: criteria provided, multiple submitters, no conflicts (2 of 4 stars). 3 submissions from 3 submitters: Uncertain significance (2). 1 of the submissions does not count toward it. Last evaluated 2024-09-08.

Conditions:
Inborn genetic diseases. Identifiers: MedGen C0950123, MeSH D030342.

Allele frequency attached by ClinVar (database versions not stated): gnomAD 0.00009 and 0.00014; 1000 Genomes Project 30x 0.00016; gnomAD exomes 0.00017 and 0.00020; 1000 Genomes Project 0.00020; ExAC 0.00021; TOPMed 0.00005; ESP Exome Variant Server 0.00008.
gnomAD v4.1: 270 of 1,613,944 alleles (0.017%); highest among the groups gnomAD compares: South Asian, 0.12%; 1 homozygote.

Submissions (3):

Ambry Genetics
Classification: Uncertain significance for Inborn genetic diseases. Last evaluated: 2024-09-08. Review status: criteria provided, single submitter. Criteria: Ambry Variant Classification Scheme 2023. Collection method: clinical testing. Allele origin: germline.

Labcorp Genetics (formerly Invitae), Labcorp
Classification: Uncertain significance. Last evaluated: 2021-12-03. Review status: criteria provided, single submitter. Criteria: Invitae Variant Classification Sherloc (09022015). Collection method: clinical testing. Allele origin: germline.
Comment: This sequence change replaces leucine, which is neutral and non-polar, with valine, which is neutral and non-polar, at codon 419 of the FAT1 protein (p.Leu419Val). This variant is present in population databases (rs375942121, gnomAD 0.09%). This variant has not been reported in the literature in individuals affected with FAT1-related conditions. ClinVar contains an entry for this variant (Variation ID: 1050232). Algorithms developed to predict the effect of missense changes on protein structure and function (SIFT, PolyPhen-2, Align-GVGD) all suggest that this variant is likely to be disruptive. In summary, the available evidence is currently insufficient to determine the role of this variant in disease. Therefore, it has been classified as a Variant of Uncertain Significance.

Department of Pathology and Laboratory Medicine, Sinai Health System
Classification: Uncertain significance. Review status: no assertion criteria provided. Collection method: clinical testing. Allele origin: unknown. Affected: yes. Study: The Canadian Open Genetics Repository (COGR). Not counted in ClinVar's aggregate classification.
Comment: The FAT1 p.Leu419Val variant was not identified in the literature nor was it identified in ClinVar, Cosmic or LOVD 3.0. The variant was identified in dbSNP (ID: rs375942121) and in control databases in 52 of 266102 chromosomes at a frequency of 0.0001954 (Genome Aggregation Database March 6, 2019, v2.1.1, non-cancer). The variant was observed in the following populations: South Asian in 27 of 30510 chromosomes (freq: 0.000885), European (non-Finnish) in 20 of 117408 chromosomes (freq: 0.00017), Other in 1 of 6618 chromosomes (freq: 0.000151), Latino in 3 of 35024 chromosomes (freq: 0.000086) and African in 1 of 22846 chromosomes (freq: 0.000044), but was not observed in the Ashkenazi Jewish, East Asian, or European (Finnish) populations. The p.Leu419 residue is conserved across mammals and other organisms, and computational analyses (PolyPhen-2, SIFT, AlignGVGD, BLOSUM, MutationTaster) provide inconsistent predictions regarding the impact to the protein. The variant occurs outside of the splicing consensus sequence and in silico or computational prediction software programs (SpliceSiteFinder, MaxEntScan, NNSPLICE, GeneSplicer) do not predict a difference in splicing. In summary, based on the above information the clinical significance of this variant cannot be determined with certainty at this time. This variant is classified as a variant of uncertain significance.

NM_005245.4(FAT1):c.1255C>G (p.Leu419Val)

Gene: FAT1 (FAT atypical cadherin 1; minus strand). Cytogenetic location: 4q35.2.
Variant type: single nucleotide variant.
Coding change: c.1255C>G on transcript NM_005245.4 (MANE Select); coding-DNA position 1255, C replaced by G.
Protein change: p.Leu419Val; replaces leucine 419 with valine.
Molecular consequence: missense variant.
Genome position (GRCh38, 1-based): chr4:186,708,573, G>C on the plus strand (C>G on the coding strand, the complement: FAT1 is on the minus strand). VCF-style: chr4-186708573-G-C. GRCh37 (hg19) VCF-style: chr4-187629727-G-C.
Other names: c.1255C>G (NM_005245.3); short protein forms L419V.
Identifiers: ClinVar variation 1050232 (VCV001050232.7), dbSNP rs375942121, ClinGen allele CA3167502.
Genomic context (GRCh38, chr4:186,708,573, plus strand): 5'-TTACTTCAAGTTCAAAATGGGCTGCCTGCTGTCTTTTAACTGGTTCTAAAATAGAAATGA[G>C]ACCAGTGTTGTAATTTAAACTGAATTTAGCTTTTCCAGGTGTACTTTTAAAAACATACCT-3'
Protein context (NP_005236.2, residues 409-429): AKFSLNYNTG[Leu419Val]ISILEPVKRQ